The following is an entry in ClinVar:

NM_000092.5(COL4A4):c.4334G>A (p.Gly1445Glu)

Gene: COL4A4 (collagen type IV alpha 4 chain; minus strand). Cytogenetic location: 2q36.3.
Variant type: single nucleotide variant.
Coding change: c.4334G>A on transcript NM_000092.5 (MANE Select); coding-DNA position 4334, G replaced by A.
Protein change: p.Gly1445Glu; replaces glycine 1445 with glutamic acid.
Molecular consequence: missense variant.
Genome position (GRCh38, 1-based): chr2:227,010,501, C>T on the plus strand (G>A on the coding strand, the complement: COL4A4 is on the minus strand). VCF-style: chr2-227010501-C-T. GRCh37 (hg19) VCF-style: chr2-227875217-C-T.
Other names: short protein forms G1445E.
Identifiers: ClinVar variation 585532 (VCV000585532.2), dbSNP rs1559402680, ClinGen allele CA350836365.
Genomic context (GRCh38, chr2:227,010,501, plus strand): 5'-CCACCGAGGTATCCAGGGCCAAACCCTTTGGGCCCAGGATCCCCAATGGGACCAGGAGGC[C>T]CTGGAGGAACAAAGGAAAAAAATTGAAGGCAGGTTAGGGGGTTTGGTTTAACAAATATGT-3'
Protein context (NP_000083.3, residues 1435-1455): TGEDGYPGGP[Gly1445Glu]PPGPIGDPGP

ClinVar aggregate classification (germline): Conflicting classifications of pathogenicity. Review status: criteria provided, conflicting classifications (1 of 4 stars). 2 submissions from 2 submitters: Pathogenic (1); Uncertain significance (1). Last evaluated 2025-10-24.

Submissions (2):

Labcorp Genetics (formerly Invitae), Labcorp
Classification: Uncertain significance. Last evaluated: 2025-10-24. Review status: criteria provided, single submitter. Criteria: Invitae Variant Classification Sherloc (09022015). Collection method: clinical testing. Allele origin: germline.
Comment: This sequence change replaces glycine, which is neutral and non-polar, with glutamic acid, which is acidic and polar, at codon 1445 of the COL4A4 protein (p.Gly1445Glu). This variant is not present in population databases (gnomAD no frequency). This variant has not been reported in the literature in individuals affected with COL4A4-related conditions. ClinVar contains an entry for this variant (Variation ID: 585532). Experimental studies and prediction algorithms are not available or were not evaluated, and the functional significance of this variant is currently unknown. In summary, the available evidence is currently insufficient to determine the role of this variant in disease. Therefore, it has been classified as a Variant of Uncertain Significance.

Athena Diagnostics
Classification: Pathogenic. Last evaluated: 2017-11-29. Review status: criteria provided, single submitter. Criteria: Athena Diagnostics Criteria. Collection method: clinical testing. Allele origin: germline.